The following is an entry in ClinVar:

NM_001370.2(DNAH6):c.3934G>T (p.Val1312Leu)

Gene: DNAH6 (dynein axonemal heavy chain 6; plus strand). Cytogenetic location: 2p11.2.
Variant type: single nucleotide variant.
Coding change: c.3934G>T on transcript NM_001370.2 (MANE Select); coding-DNA position 3934, G replaced by T.
Protein change: p.Val1312Leu; replaces valine 1312 with leucine.
Molecular consequence: missense variant.
Genome position (GRCh38, 1-based): chr2:84,621,332, G>T. VCF-style: chr2-84621332-G-T. GRCh37 (hg19) VCF-style: chr2-84848456-G-T.
Other names: short protein forms V1312L.
Identifiers: ClinVar variation 3037984 (VCV003037984.2), dbSNP rs536205406, ClinGen allele CA1737099.
Genomic context (GRCh38, chr2:84,621,332, plus strand): 5'-CTGCGTCGCCTGTGCAAAGCTGCCATCGCTGACTATCAGGGGAAACTGAGGACAGACTGG[G>T]TGGTTGCTGGCCACCCTTCTCAAGTAACTCACACTCACATTTCATATCCCTGAATTCTTA-3'
Protein context (NP_001361.1, residues 1302-1322): DYQGKLRTDW[Val1312Leu]VAGHPSQVIL

ClinVar aggregate classification (germline): Benign (0 of 4 stars; one submission).

Conditions:
DNAH6-related disorder. Also called: DNAH6-related condition.

Allele frequency attached by ClinVar (database versions not stated): gnomAD 0.00111; 1000 Genomes Project 0.00699; 1000 Genomes Project 30x 0.00765; ExAC 0.01106.
gnomAD v4.1: 2,642 of 1,551,564 alleles (0.17%); highest among the groups gnomAD compares: South Asian, 2.9%; 73 homozygotes.

Submission:

PreventionGenetics, part of Exact Sciences
Classification: Benign for DNAH6-related condition. Last evaluated: 2019-05-07. Review status: no assertion criteria provided. Collection method: clinical testing. Allele origin: germline.
Comment: This variant is classified as benign based on ACMG/AMP sequence variant interpretation guidelines (Richards et al. 2015 PMID: 25741868, with internal and published modifications).